The following is an entry in ClinVar:

NM_014727.3(KMT2B):c.3233G>A (p.Arg1078His)

Gene: KMT2B (lysine methyltransferase 2B; plus strand). Cytogenetic location: 19q13.12.
Variant type: single nucleotide variant.
Coding change: c.3233G>A on transcript NM_014727.3 (MANE Select); coding-DNA position 3233, G replaced by A.
Protein change: p.Arg1078His; replaces arginine 1078 with histidine.
Molecular consequence: missense variant.
Genome position (GRCh38, 1-based): chr19:35,723,906, G>A. VCF-style: chr19-35723906-G-A. GRCh37 (hg19) VCF-style: chr19-36214807-G-A.
Other names: short protein forms R1078H.
Identifiers: ClinVar variation 2747031 (VCV002747031.3), dbSNP rs2146446415, ClinGen allele CA405404826.

ClinVar aggregate classification (germline): Uncertain significance (1 of 4 stars; one submission).

gnomAD v4.1: 3 of 1,611,846 alleles (0.00019%); highest among the groups gnomAD compares: Non-Finnish European, 0.00017%; no homozygotes.

Submission:

Labcorp Genetics (formerly Invitae), Labcorp
Classification: Uncertain significance. Last evaluated: 2024-04-09. Review status: criteria provided, single submitter. Criteria: Invitae Variant Classification Sherloc (09022015). Collection method: clinical testing. Allele origin: germline.
Comment: This sequence change replaces arginine, which is basic and polar, with histidine, which is basic and polar, at codon 1078 of the KMT2B protein (p.Arg1078His). This variant is not present in population databases (gnomAD no frequency). This variant has not been reported in the literature in individuals affected with KMT2B-related conditions. Advanced modeling of protein sequence and biophysical properties (such as structural, functional, and spatial information, amino acid conservation, physicochemical variation, residue mobility, and thermodynamic stability) has been performed at Invitae for this missense variant, however the output from this modeling did not meet the statistical confidence thresholds required to predict the impact of this variant on KMT2B protein function. In summary, the available evidence is currently insufficient to determine the role of this variant in disease. Therefore, it has been classified as a Variant of Uncertain Significance.